The following is an entry in ClinVar:

ClinVar aggregate classification (germline): Uncertain significance (1 of 4 stars; one submission).

Conditions:
PLXNA2-related disorder. Also called: PLXNA2-related condition.

gnomAD v4.1: 9 of 1,614,046 alleles (0.00056%); highest among the groups gnomAD compares: Non-Finnish European, 0.00076%; no homozygotes.

Submission:

PreventionGenetics, part of Exact Sciences
Classification: Uncertain significance for PLXNA2-related condition. Last evaluated: 2026-03-03. Review status: criteria provided, single submitter. Criteria: ACMG Guidelines, 2015. Collection method: clinical testing. Allele origin: germline.
Comment: The PLXNA2 c.3937C>T variant is predicted to result in the amino acid substitution p.Pro1313Ser. To our knowledge, this variant has not been reported in the literature. This variant is reported in 0.00088% of alleles in individuals of European (Non-Finnish) descent in gnomAD. At this time, the clinical significance of this variant is uncertain due to the absence of conclusive functional and genetic evidence.

NM_025179.4(PLXNA2):c.3937C>T (p.Pro1313Ser)

Gene: PLXNA2 (plexin A2; minus strand). Cytogenetic location: 1q32.2.
Variant type: single nucleotide variant.
Coding change: c.3937C>T on transcript NM_025179.4 (MANE Select); coding-DNA position 3937, C replaced by T.
Protein change: p.Pro1313Ser; replaces proline 1313 with serine.
Molecular consequence: missense variant.
Genome position (GRCh38, 1-based): chr1:208,043,141, G>A on the plus strand (C>T on the coding strand, the complement: PLXNA2 is on the minus strand). VCF-style: chr1-208043141-G-A. GRCh37 (hg19) VCF-style: chr1-208216486-G-A.
Other names: short protein forms P1313S.
Identifiers: ClinVar variation 4977550 (VCV004977550.1).